The following is an entry in ClinVar:

NM_000287.4(PEX6):c.1234-1G>T

Gene: PEX6 (peroxisomal biogenesis factor 6; minus strand). Cytogenetic location: 6p21.1.
Variant type: single nucleotide variant.
Coding change: c.1234-1G>T on transcript NM_000287.4 (MANE Select); the canonical splice acceptor site of the intron before coding-DNA position 1234, G replaced by T.
Molecular consequence: splice acceptor variant.
Genome position (GRCh38, 1-based): chr6:42,969,802, C>A on the plus strand (G>T on the coding strand, the complement: PEX6 is on the minus strand). VCF-style: chr6-42969802-C-A. GRCh37 (hg19) VCF-style: chr6-42937540-C-A.
Other names: c.970-1G>T (NM_001316313.2).
Identifiers: ClinVar variation 557825 (VCV000557825.10), dbSNP rs1554127533, ClinGen allele CA364155964.

ClinVar aggregate classification (germline): Likely pathogenic. Review status: criteria provided, single submitter (1 of 4 stars). 2 submissions from 2 submitters: Likely pathogenic (1). 1 of the submissions does not count toward it. Last evaluated 2020-12-20.

Conditions:
Peroxisome biogenesis disorder. Identifiers: Orphanet 79189, MedGen C1832200, MONDO:0019234. Disease mechanism: loss of function.
Peroxisome biogenesis disorder 4A (Zellweger) (PBD4A). Also called: Zellweger syndrome spectrum (PEX6-related). Identifiers: Orphanet 912, MedGen C3553936, MONDO:0013930, OMIM 614862. Disease mechanism: loss of function.
Peroxisome biogenesis disorder 4B (PBD4B). Also called: SPINOCEREBELLAR ATAXIA WITH BLINDNESS AND DEAFNESS 1. Identifiers: Orphanet 44, Orphanet 95433, MedGen C3553937, MONDO:0013931, OMIM 614863.

Allele frequency attached by ClinVar (database versions not stated): gnomAD 0.00001.
gnomAD v4.1: 1 of 1,613,372 alleles (0.000062%); highest among the groups gnomAD compares: Non-Finnish European, 0.000085%; no homozygotes.

Submissions (2):

Labcorp Genetics (formerly Invitae), Labcorp
Classification: Likely pathogenic for Peroxisome biogenesis disorder. Last evaluated: 2020-12-20. Review status: criteria provided, single submitter. Criteria: Invitae Variant Classification Sherloc (09022015). Collection method: clinical testing. Allele origin: germline.
Comment: In summary, the currently available evidence indicates that the variant is pathogenic, but additional data are needed to prove that conclusively. Therefore, this variant has been classified as Likely Pathogenic. Algorithms developed to predict the effect of sequence changes on RNA splicing suggest that this variant may disrupt the consensus splice site, but this prediction has not been confirmed by published transcriptional studies. This variant has not been reported in the literature in individuals with PEX6-related conditions. ClinVar contains an entry for this variant (Variation ID: 557825). This variant is not present in population databases (ExAC no frequency). This sequence change affects an acceptor splice site in intron 4 of the PEX6 gene. It is expected to disrupt RNA splicing. Variants that disrupt the donor or acceptor splice site typically lead to a loss of protein function (PMID: 16199547), and loss-of-function variants in PEX6 are known to be pathogenic (PMID: 8670792, 19877282, 21031596).

Counsyl
Classification: Likely pathogenic for Peroxisome biogenesis disorder 4A (Zellweger); Peroxisome biogenesis disorder 4B. Last evaluated: 2018-04-11. Review status: no assertion criteria provided. Collection method: clinical testing. Allele origin: unknown. Not counted in ClinVar's aggregate classification.

Literature cited by the submitters: PubMed 16199547 (cited by Labcorp Genetics (formerly Invitae), Labcorp); PubMed 8670792 (cited by Labcorp Genetics (formerly Invitae), Labcorp); PubMed 19877282 (cited by Labcorp Genetics (formerly Invitae), Labcorp); PubMed 21031596 (cited by Labcorp Genetics (formerly Invitae), Labcorp).